The following is an entry in ClinVar:

NM_020699.4(GATAD2B):c.1459C>T (p.Pro487Ser)

Gene: GATAD2B (GATA zinc finger domain containing 2B; minus strand). Cytogenetic location: 1q21.3.
Variant type: single nucleotide variant.
Coding change: c.1459C>T on transcript NM_020699.4 (MANE Select); coding-DNA position 1459, C replaced by T.
Protein change: p.Pro487Ser; replaces proline 487 with serine.
Molecular consequence: missense variant.
Genome position (GRCh38, 1-based): chr1:153,812,093, G>A on the plus strand (C>T on the coding strand, the complement: GATAD2B is on the minus strand). VCF-style: chr1-153812093-G-A. GRCh37 (hg19) VCF-style: chr1-153784569-G-A.
Other names: short protein forms P487S.
Identifiers: ClinVar variation 435287 (VCV000435287.12), dbSNP rs1230061825, ClinGen allele CA342581294.

ClinVar aggregate classification (germline): Uncertain significance. Review status: criteria provided, multiple submitters, no conflicts (2 of 4 stars). 3 submissions from 3 submitters: Uncertain significance (3). Last evaluated 2025-06-25.

Conditions:
Severe intellectual disability-poor language-strabismus-grimacing face-long fingers syndrome (GAND). Also called: GAND SYNDROME. Identifiers: Orphanet 363686, MedGen C3554448, MONDO:0014034, OMIM 615074.

Allele frequency attached by ClinVar (database versions not stated): TOPMed below 0.00001; gnomAD 0.00001; gnomAD exomes 0.00001.
gnomAD v4.1: 21 of 1,612,848 alleles (0.0013%); highest among the groups gnomAD compares: Non-Finnish European, 0.0018%; no homozygotes.

Submissions (3):

Labcorp Genetics (formerly Invitae), Labcorp
Classification: Uncertain significance. Last evaluated: 2025-06-25. Review status: criteria provided, single submitter. Criteria: Invitae Variant Classification Sherloc (09022015). Collection method: clinical testing. Allele origin: germline.
Comment: This sequence change replaces proline, which is neutral and non-polar, with serine, which is neutral and polar, at codon 487 of the GATAD2B protein (p.Pro487Ser). This variant is not present in population databases (gnomAD no frequency). This variant has not been reported in the literature in individuals affected with GATAD2B-related conditions. ClinVar contains an entry for this variant (Variation ID: 435287). Invitae Evidence Modeling of protein sequence and biophysical properties (such as structural, functional, and spatial information, amino acid conservation, physicochemical variation, residue mobility, and thermodynamic stability) indicates that this missense variant is not expected to disrupt GATAD2B protein function with a negative predictive value of 80%. In summary, the available evidence is currently insufficient to determine the role of this variant in disease. Therefore, it has been classified as a Variant of Uncertain Significance.

Genome-Nilou Lab
Classification: Uncertain significance for Severe intellectual disability-poor language-strabismus-grimacing face-long fingers syndrome. Last evaluated: 2023-04-11. Review status: criteria provided, single submitter. Criteria: ACMG Guidelines, 2015. Collection method: clinical testing. Allele origin: germline. Affected: no.

Genetic Services Laboratory, University of Chicago
Classification: Uncertain significance. Last evaluated: 2015-09-18. Review status: criteria provided, single submitter. Criteria: ACMG Guidelines, 2015. Collection method: clinical testing. Allele origin: germline. Affected: no.